The following is an entry in ClinVar:

ClinVar aggregate classification (germline): Likely pathogenic (1 of 4 stars; one submission).

Conditions:
Schöpf-Schulz-Passarge syndrome. Also called: KERATOSIS PALMOPLANTARIS WITH CYSTIC EYELIDS, HYPODONTIA, AND HYPOTRICHOSIS; SchC6pf-Schulz-Passarge syndrome; ECCRINE TUMORS WITH ECTODERMAL DYSPLASIA. Identifiers: Orphanet 50944, MedGen C1857069, MONDO:0009145, OMIM 224750.
Odonto-onycho-dermal dysplasia. Identifiers: Orphanet 2721, MedGen C0796093, MONDO:0009773, OMIM 257980.
Tooth agenesis, selective, 4 (STHAG4). Also called: LATERAL INCISORS, ABSENCE OF; LATERAL INCISORS, PEGGED OR MISSING; SUCCEDANEOUS TEETH, AGENESIS OF; TOOTH AGENESIS, SELECTIVE, 4, WITH OR WITHOUT ECTODERMAL DYSPLASIA. Identifiers: Orphanet 99798, MedGen C1835492, MONDO:0007881, OMIM 150400. Disease mechanism: loss of function.

Submission:

Juno Genomics, Hangzhou Juno Genomics, Inc
Classification: Likely pathogenic for Schöpf-Schulz-Passarge syndrome; Tooth agenesis, selective, 4; Odonto-onycho-dermal dysplasia. Review status: criteria provided, single submitter. Criteria: ACMG Guidelines, 2015. Collection method: clinical testing. Allele origin: germline.
Comment: Absent from controls (or at extremely low frequency if recessive) in Genome Aggregation Database.;Null variant in a gene where loss of function (LOF) is a known mechanism of disease.

NM_025216.3(WNT10A):c.498del (p.Asp166fs)

Gene: WNT10A (Wnt family member 10A; plus strand). Cytogenetic location: 2q35.
Variant type: Deletion.
Coding change: c.498del on transcript NM_025216.3 (MANE Select); coding-DNA position 498, one base deleted (C; older notation c.498delC).
Protein change: p.Asp166fs; shifts the reading frame from aspartic acid 166.
Molecular consequence: frameshift variant.
Genome position (GRCh38, 1-based): chr2:218,890,105, C deleted. VCF-style (leftmost placement, unchanged base first): chr2-218890104-AC-A. GRCh37 (hg19) VCF-style: chr2-219754826-AC-A.
Other names: short protein forms D166fs.
Identifiers: ClinVar variation 5019512 (VCV005019512.2).